The following is an entry in ClinVar:

ClinVar aggregate classification (germline): Uncertain significance. Review status: criteria provided, multiple submitters, no conflicts (2 of 4 stars). 2 submissions from 2 submitters: Uncertain significance (2). Last evaluated 2025-12-18.

Conditions:
Inborn genetic diseases. Identifiers: MedGen C0950123, MeSH D030342.

gnomAD v4.1: 49 of 1,614,216 alleles (0.003%); highest among the groups gnomAD compares: Admixed American, 0.082%; no homozygotes.

Submissions (2):

Labcorp Genetics (formerly Invitae), Labcorp
Classification: Uncertain significance. Last evaluated: 2025-12-18. Review status: criteria provided, single submitter. Criteria: Invitae Variant Classification Sherloc (09022015). Collection method: clinical testing. Allele origin: germline.
Comment: This sequence change replaces phenylalanine, which is neutral and non-polar, with leucine, which is neutral and non-polar, at codon 686 of the ROR2 protein (p.Phe686Leu). This variant is present in population databases (rs191107364, gnomAD 0.06%). This variant has not been reported in the literature in individuals affected with ROR2-related conditions. ClinVar contains an entry for this variant (Variation ID: 4156135). Invitae Evidence Modeling of protein sequence and biophysical properties (such as structural, functional, and spatial information, amino acid conservation, physicochemical variation, residue mobility, and thermodynamic stability) indicates that this missense variant is expected to disrupt ROR2 protein function with a positive predictive value of 80%. In summary, the available evidence is currently insufficient to determine the role of this variant in disease. Therefore, it has been classified as a Variant of Uncertain Significance.

Ambry Genetics
Classification: Uncertain significance for Inborn genetic diseases. Last evaluated: 2025-08-24. Review status: criteria provided, single submitter. Criteria: Ambry Variant Classification Scheme 2023. Collection method: clinical testing. Allele origin: germline.

NM_004560.4(ROR2):c.2058C>G (p.Phe686Leu)

Gene: ROR2 (receptor tyrosine kinase like orphan receptor 2; minus strand). Cytogenetic location: 9q22.31.
Variant type: single nucleotide variant.
Coding change: c.2058C>G on transcript NM_004560.4 (MANE Select); coding-DNA position 2058, C replaced by G.
Protein change: p.Phe686Leu; replaces phenylalanine 686 with leucine.
Molecular consequence: missense variant.
Genome position (GRCh38, 1-based): chr9:91,724,436, G>C on the plus strand (C>G on the coding strand, the complement: ROR2 is on the minus strand). VCF-style: chr9-91724436-G-C. GRCh37 (hg19) VCF-style: chr9-94486718-G-C.
Other names: short protein forms F686L.
Identifiers: ClinVar variation 4156135 (VCV004156135.2).